The following is an entry in ClinVar:

ClinVar aggregate classification (germline): Uncertain significance. Review status: criteria provided, multiple submitters, no conflicts (2 of 4 stars). 2 submissions from 2 submitters: Uncertain significance (2). Last evaluated 2025-11-24.

Allele frequency attached by ClinVar (database versions not stated): gnomAD 0.00001 and 0.00002; gnomAD exomes 0.00001; TOPMed 0.00001; ExAC 0.00003; 1000 Genomes Project 30x 0.00016; 1000 Genomes Project 0.00020.
gnomAD v4.1: 18 of 1,613,834 alleles (0.0011%); highest among the groups gnomAD compares: East Asian, 0.0045%; no homozygotes.

Submissions (2):

Ambry Genetics
Classification: Uncertain significance. Last evaluated: 2025-11-24. Review status: criteria provided, single submitter. Criteria: Ambry Variant Classification Scheme 2023. Collection method: clinical testing. Allele origin: germline.

Labcorp Genetics (formerly Invitae), Labcorp
Classification: Uncertain significance. Last evaluated: 2023-07-30. Review status: criteria provided, single submitter. Criteria: Invitae Variant Classification Sherloc (09022015). Collection method: clinical testing. Allele origin: germline.
Comment: In summary, the available evidence is currently insufficient to determine the role of this variant in disease. Therefore, it has been classified as a Variant of Uncertain Significance. An algorithm developed to predict the effect of missense changes on protein structure and function (PolyPhen-2) suggests that this variant is likely to be disruptive. ClinVar contains an entry for this variant (Variation ID: 1505851). This variant has not been reported in the literature in individuals affected with CLCN6-related conditions. This variant is present in population databases (rs200821920, gnomAD 0.007%). This sequence change replaces asparagine, which is neutral and polar, with serine, which is neutral and polar, at codon 432 of the CLCN6 protein (p.Asn432Ser).

NM_001286.5(CLCN6):c.1295A>G (p.Asn432Ser)

Gene: CLCN6 (chloride voltage-gated channel 6; plus strand). Cytogenetic location: 1p36.22.
Variant type: single nucleotide variant.
Coding change: c.1295A>G on transcript NM_001286.5 (MANE Select); coding-DNA position 1295, A replaced by G.
Protein change: p.Asn432Ser; replaces asparagine 432 with serine.
Molecular consequence: missense variant. On other transcripts: non-coding transcript variant (1).
Genome position (GRCh38, 1-based): chr1:11,833,561, A>G. VCF-style: chr1-11833561-A-G. GRCh37 (hg19) VCF-style: chr1-11893618-A-G.
Other names: c.1229A>G, p.Asn410Ser (NM_001256959.2); c.1295A>G (NM_001286.2); short protein forms N432S, N410S.
Identifiers: ClinVar variation 1505851 (VCV001505851.9), dbSNP rs200821920, ClinGen allele CA596424.